The following is an entry in ClinVar:

ClinVar aggregate classification (germline): Uncertain significance (1 of 4 stars; one submission).

Conditions:
Cardiovascular phenotype. Identifiers: MedGen CN230736.

gnomAD v4.1: 5 of 1,614,160 alleles (0.00031%); highest among the groups gnomAD compares: Non-Finnish European, 0.00042%; no homozygotes.

Submission:

Ambry Genetics
Classification: Uncertain significance for Cardiovascular phenotype. Last evaluated: 2026-04-18. Review status: criteria provided, single submitter. Criteria: Ambry Variant Classification Scheme 2023. Collection method: clinical testing. Allele origin: germline.
Comment: The p.I372S variant (also known as c.1115T>G), located in coding exon 9 of the SCN10A gene, results from a T to G substitution at nucleotide position 1115. The isoleucine at codon 372 is replaced by serine, an amino acid with dissimilar properties. This amino acid position is conserved. In addition, the in silico prediction for this alteration is inconclusive. Based on the available evidence, the clinical significance of this variant remains unclear.

NM_006514.4(SCN10A):c.1115T>G (p.Ile372Ser)

Gene: SCN10A (sodium voltage-gated channel alpha subunit 10; minus strand). Cytogenetic location: 3p22.2.
Variant type: single nucleotide variant.
Coding change: c.1115T>G on transcript NM_006514.4 (MANE Select); coding-DNA position 1115, T replaced by G.
Protein change: p.Ile372Ser; replaces isoleucine 372 with serine.
Molecular consequence: missense variant.
Genome position (GRCh38, 1-based): chr3:38,756,849, A>C on the plus strand (T>G on the coding strand, the complement: SCN10A is on the minus strand). VCF-style: chr3-38756849-A-C. GRCh37 (hg19) VCF-style: chr3-38798340-A-C.
Other names: c.1115T>G, p.Ile372Ser (NM_001293306.2, NM_001293307.2); short protein forms I372S.
Identifiers: ClinVar variation 4864087 (VCV004864087.1).